The following is an entry in ClinVar:

NM_000263.4(NAGLU):c.192del (p.Tyr65fs)

Genes: NAGLU (N-acetyl-alpha-glucosaminidase; plus strand), LOC130060903 (ATAC-STARR-seq lymphoblastoid silent region 8533; plus strand). Cytogenetic location: 17q21.2.
Variant type: Deletion.
Coding change: c.192del on transcript NM_000263.4 (MANE Select); coding-DNA position 192, one base deleted (C; older notation c.192delC).
Protein change: p.Tyr65fs; shifts the reading frame from tyrosine 65.
Molecular consequence: frameshift variant.
Genome position (GRCh38, 1-based): chr17:42,536,464, C deleted; the last of 2 consecutive C bases (chr17:42,536,463-42,536,464); deleting either gives the same sequence. VCF-style (leftmost placement, unchanged base first): chr17-42536462-AC-A. GRCh37 (hg19) VCF-style: chr17-40688480-AC-A.
Other names: short protein forms Y65fs.
Identifiers: ClinVar variation 1459501 (VCV001459501.9), dbSNP rs2092906340, ClinGen allele CA2260526759.

ClinVar aggregate classification (germline): Pathogenic. Review status: criteria provided, multiple submitters, no conflicts (2 of 4 stars). 2 submissions from 2 submitters: Pathogenic (2). Last evaluated 2024-08-31.

Conditions:
Mucopolysaccharidosis, MPS-III-B (MPS3B). Also called: N-ACETYL-ALPHA-D-GLUCOSAMINIDASE DEFICIENCY; NAGLU DEFICIENCY; SANFILIPPO SYNDROME B; MPS III B; MPS IIIB (Sanfilippo Syndrome Type B); MUCOPOLYSACCHARIDOSIS, TYPE IIIB. Identifiers: Orphanet 79270, MedGen C0086648, MONDO:0009656, OMIM 252920.
Charcot-Marie-Tooth disease axonal type 2V. Also called: CHARCOT-MARIE-TOOTH NEUROPATHY, TYPE 2V; CHARCOT-MARIE-TOOTH DISEASE, AXONAL, AUTOSOMAL DOMINANT, TYPE 2V. Identifiers: Orphanet 447964, MedGen C5569050, MONDO:0014665, OMIM 616491.

Submissions (2):

Labcorp Genetics (formerly Invitae), Labcorp
Classification: Pathogenic for Charcot-Marie-Tooth disease axonal type 2V; Mucopolysaccharidosis, MPS-III-B. Last evaluated: 2024-08-31. Review status: criteria provided, single submitter. Criteria: Invitae Variant Classification Sherloc (09022015). Collection method: clinical testing. Allele origin: germline.
Comment: This sequence change creates a premature translational stop signal (p.Tyr65Thrfs*57) in the NAGLU gene. It is expected to result in an absent or disrupted protein product. Loss-of-function variants in NAGLU are known to be pathogenic (PMID: 9832037, 10094189, 16151907). This variant is not present in population databases (gnomAD no frequency). This premature translational stop signal has been observed in individual(s) with clinical features of mucopolysaccharidosis type III (PMID: 22976768). ClinVar contains an entry for this variant (Variation ID: 1459501). For these reasons, this variant has been classified as Pathogenic.

Fulgent Genetics
Classification: Pathogenic for Mucopolysaccharidosis, MPS-III-B; Charcot-Marie-Tooth disease axonal type 2V. Last evaluated: 2024-04-26. Review status: criteria provided, single submitter. Criteria: ACMG Guidelines, 2015. Collection method: clinical testing. Allele origin: germline.

Literature cited by the submitters: PubMed 9832037 (cited by Labcorp Genetics (formerly Invitae), Labcorp); PubMed 10094189 (cited by Labcorp Genetics (formerly Invitae), Labcorp); PubMed 16151907 (cited by Labcorp Genetics (formerly Invitae), Labcorp); PubMed 22976768 (cited by Labcorp Genetics (formerly Invitae), Labcorp).